The following is an entry in ClinVar:

NM_000152.5(GAA):c.223C>T (p.Pro75Ser)

Gene: GAA (alpha glucosidase; plus strand). Cytogenetic location: 17q25.3.
Variant type: single nucleotide variant.
Coding change: c.223C>T on transcript NM_000152.5 (MANE Select); coding-DNA position 223, C replaced by T.
Protein change: p.Pro75Ser; replaces proline 75 with serine.
Molecular consequence: missense variant.
Genome position (GRCh38, 1-based): chr17:80,104,809, C>T. VCF-style: chr17-80104809-C-T. GRCh37 (hg19) VCF-style: chr17-78078608-C-T.
Other names: c.223C>T (LRG_673t1); c.223C>T, p.Pro75Ser (NM_001079803.3, NM_001079804.3); short protein forms P75S.
Identifiers: ClinVar variation 567275 (VCV000567275.9), dbSNP rs755561471, ClinGen allele CA8814816.

ClinVar aggregate classification (germline): Uncertain significance. Review status: criteria provided, multiple submitters, no conflicts (2 of 4 stars). 3 submissions from 3 submitters: Uncertain significance (2). 1 of the submissions does not count toward it. Last evaluated 2024-03-04.

Conditions:
Glycogen storage disease, type II (IOPD). Also called: CARDIOMEGALIA GLYCOGENICA DIFFUSA; GLYCOGENOSIS, GENERALIZED, CARDIAC FORM; GSD II; Glycogen storage disease type 2; Acid maltase deficiency disease; Aglucosidase alfa. Identifiers: Orphanet 365, MedGen C0017921, MONDO:0009290, OMIM 232300.

Allele frequency attached by ClinVar (database versions not stated): gnomAD below 0.00001 and 0.00001; gnomAD exomes 0.00001 and 0.00002; TOPMed 0.00001; ExAC 0.00004.
gnomAD v4.1: 15 of 1,612,262 alleles (0.00093%); highest among the groups gnomAD compares: South Asian, 0.015%; no homozygotes.

Submissions (3):

Labcorp Genetics (formerly Invitae), Labcorp
Classification: Uncertain significance for Glycogen storage disease, type II. Last evaluated: 2024-03-04. Review status: criteria provided, single submitter. Criteria: Invitae Variant Classification Sherloc (09022015). Collection method: clinical testing. Allele origin: germline.
Comment: This sequence change replaces proline, which is neutral and non-polar, with serine, which is neutral and polar, at codon 75 of the GAA protein (p.Pro75Ser). This variant is present in population databases (rs755561471, gnomAD 0.02%). This variant has not been reported in the literature in individuals affected with GAA-related conditions. ClinVar contains an entry for this variant (Variation ID: 567275). Advanced modeling of protein sequence and biophysical properties (such as structural, functional, and spatial information, amino acid conservation, physicochemical variation, residue mobility, and thermodynamic stability) performed at Invitae indicates that this missense variant is not expected to disrupt GAA protein function with a negative predictive value of 95%. In summary, the available evidence is currently insufficient to determine the role of this variant in disease. Therefore, it has been classified as a Variant of Uncertain Significance.

Revvity Omics, Revvity
Classification: Uncertain significance. Last evaluated: 2023-12-28. Review status: criteria provided, single submitter. Criteria: ACMG Guidelines, 2015. Collection method: clinical testing. Allele origin: germline.

Natera, Inc.
Classification: Uncertain significance for Glycogen storage disease type II. Last evaluated: 2019-10-28. Review status: no assertion criteria provided. Collection method: clinical testing. Allele origin: germline. Not counted in ClinVar's aggregate classification.